The following is an entry in ClinVar:

ClinVar aggregate classification (germline): Uncertain significance (1 of 4 stars; one submission).

Conditions:
Distal hereditary motor neuropathy type 2. Identifiers: Orphanet 139525, MedGen C3711384, MeSH C580044, MONDO:0015352.

Submission:

Labcorp Genetics (formerly Invitae), Labcorp
Classification: Uncertain significance for Distal hereditary motor neuropathy type 2. Last evaluated: 2021-06-09. Review status: criteria provided, single submitter. Criteria: Invitae Variant Classification Sherloc (09022015). Collection method: clinical testing. Allele origin: germline.
Comment: This sequence change replaces valine with isoleucine at codon 844 of the FBXO38 protein (p.Val844Ile). The valine residue is highly conserved and there is a small physicochemical difference between valine and isoleucine. This variant is not present in population databases (ExAC no frequency). This variant has been observed in one or more individuals who were not affected with FBXO38-related conditions (Invitae). ClinVar contains an entry for this variant (Variation ID: 541012). Algorithms developed to predict the effect of missense changes on protein structure and function are either unavailable or do not agree on the potential impact of this missense change (SIFT: "Deleterious"; PolyPhen-2: "Probably Damaging"; Align-GVGD: "Class C0"). In summary, the available evidence is currently insufficient to determine the role of this variant in disease. Therefore, it has been classified as a Variant of Uncertain Significance.

NM_205836.3(FBXO38):c.2755G>A (p.Val919Ile)

Gene: FBXO38 (F-box protein 38; plus strand). Cytogenetic location: 5q32.
Variant type: single nucleotide variant.
Coding change: c.2755G>A on transcript NM_205836.3 (MANE Select); coding-DNA position 2755, G replaced by A.
Protein change: p.Val919Ile; replaces valine 919 with isoleucine.
Molecular consequence: missense variant.
Genome position (GRCh38, 1-based): chr5:148,433,635, G>A. VCF-style: chr5-148433635-G-A. GRCh37 (hg19) VCF-style: chr5-147813198-G-A.
Other names: c.2020G>A, p.Val674Ile (NM_001271723.2); c.2530G>A, p.Val844Ile (NM_030793.5); short protein forms V844I, V674I, V919I.
Identifiers: ClinVar variation 541012 (VCV000541012.10), dbSNP rs1554082512, ClinGen allele CA361659527.
Genomic context (GRCh38, chr5:148,433,635, plus strand): 5'-AATAATGCACATAAACTAAAGTTTGTATCTTTATATAGTTTCTAATTTTTCTGCTTGTAG[G>A]TTCTTGTATTAAAATCCAAGAATCTTGTTGGAGTCACTATGACCAATTGTGGAATCACAG-3'
Protein context (NP_995308.1, residues 909-929): DPVIEDDHVQ[Val919Ile]LVLKSKNLVG